The following is an entry in ClinVar:

NM_024426.6(WT1):c.70C>A (p.Arg24Ser)

Genes: WT1 (WT1 transcription factor; minus strand), LOC107982234 (WT1/WT1-AS bi-directional promoter region; plus strand). Cytogenetic location: 11p13.
Variant type: single nucleotide variant.
Coding change: c.70C>A on transcript NM_024426.6 (MANE Select); coding-DNA position 70, C replaced by A.
Protein change: p.Arg24Ser; replaces arginine 24 with serine.
Molecular consequence: missense variant. On other transcripts: non-coding transcript variant (2).
Genome position (GRCh38, 1-based): chr11:32,435,291, G>T on the plus strand (C>A on the coding strand, the complement: WT1 is on the minus strand). VCF-style: chr11-32435291-G-T. GRCh37 (hg19) VCF-style: chr11-32456837-G-T.
Other names: c.70C>A, p.Arg24Ser (NM_000378.6, NM_001407044.1, NM_001407045.1 and 6 more transcripts); c.55C>A, p.Arg19Ser (NM_024425.2); short protein forms R19S, R24S.
Identifiers: ClinVar variation 2941724 (VCV002941724.3), dbSNP rs878855086, ClinGen allele CA379966449.

ClinVar aggregate classification (germline): Uncertain significance (1 of 4 stars; one submission).

Conditions:
Frasier syndrome. Identifiers: Orphanet 347, MedGen C0950122, MeSH D052159, MONDO:0007635, OMIM 136680.
Drash syndrome (DDS). Also called: NEPHROPATHY, WILMS TUMOR, AND GENITAL ANOMALIES; WILMS TUMOR AND PSEUDO- OR TRUE HERMAPHRODITISM. Identifiers: Orphanet 220, MedGen C0950121, MONDO:0008682, OMIM 194080.
Wilms tumor 1 (WT1). Also called: Wilms tumor, somatic. Identifiers: Orphanet 654, MedGen CN033288, MONDO:0008679, OMIM 194070.
11p partial monosomy syndrome (WAGR). Also called: CHROMOSOME 11p13 DELETION SYNDROME; WAGR syndrome; WAGR Complex; WAGR Spectrum Disorder. Identifiers: Orphanet 893, MedGen C0206115, MONDO:0008681, OMIM 194072.

Submission:

Labcorp Genetics (formerly Invitae), Labcorp
Classification: Uncertain significance for Wilms tumor 1; Drash syndrome; 11p partial monosomy syndrome; Frasier syndrome. Last evaluated: 2022-11-23. Review status: criteria provided, single submitter. Criteria: Invitae Variant Classification Sherloc (09022015). Collection method: clinical testing. Allele origin: germline.
Comment: In summary, the available evidence is currently insufficient to determine the role of this variant in disease. Therefore, it has been classified as a Variant of Uncertain Significance. Algorithms developed to predict the effect of missense changes on protein structure and function are either unavailable or do not agree on the potential impact of this missense change (SIFT: "Deleterious"; PolyPhen-2: "Benign"; Align-GVGD: "Class C0"). This sequence change replaces arginine, which is basic and polar, with serine, which is neutral and polar, at codon 19 of the WT1 protein (p.Arg19Ser). This variant is not present in population databases (gnomAD no frequency). This variant has not been reported in the literature in individuals affected with WT1-related conditions.